The following is an entry in ClinVar:

NC_000009.11:g.(?_133954516)_(133954705_?)del

Gene: LAMC3 (laminin subunit gamma 3; plus strand). Cytogenetic location: 9q34.12.
Variant type: Deletion.
Identifiers: ClinVar variation 1433211 (VCV001433211.4).

ClinVar aggregate classification (germline): Uncertain significance (1 of 4 stars; one submission).

Submission:

Labcorp Genetics (formerly Invitae), Labcorp
Classification: Uncertain significance. Last evaluated: 2023-02-03. Review status: criteria provided, single submitter. Criteria: Invitae Variant Classification Sherloc (09022015). Collection method: clinical testing. Allele origin: germline.
Comment: This variant is a gross deletion of the genomic region encompassing exon(s) 23 of the LAMC3 gene. This variant would be expected to be in-frame, preserving the integrity of the reading frame. This variant has not been reported in the literature in individuals affected with LAMC3-related conditions. Experimental studies and prediction algorithms are not available or were not evaluated, and the functional significance of this variant is currently unknown. In summary, the available evidence is currently insufficient to determine the role of this variant in disease. Therefore, it has been classified as a Variant of Uncertain Significance.